The following is an entry in ClinVar:

NM_000051.4(ATM):c.6843C>T (p.Tyr2281=)

Genes: ATM (ATM serine/threonine kinase; plus strand), C11orf65 (chromosome 11 open reading frame 65; minus strand). Cytogenetic location: 11q22.3.
Variant type: single nucleotide variant.
Coding change: c.6843C>T on transcript NM_000051.4 (MANE Select); coding-DNA position 6843, C replaced by T.
Protein change: p.Tyr2281=; no amino-acid change (tyrosine 2281 retained).
Molecular consequence: synonymous variant. On other transcripts: intron variant (2).
Genome position (GRCh38, 1-based): chr11:108,326,093, C>T. VCF-style: chr11-108326093-C-T. GRCh37 (hg19) VCF-style: chr11-108196820-C-T.
Other names: c.6843C>T, p.Tyr2281= (NM_001351834.2); c.641-17022G>A (NM_001330368.2); c.*38+9127G>A (NM_001351110.2).
Identifiers: ClinVar variation 1755748 (VCV001755748.6), dbSNP rs1555119797, ClinGen allele CA476676292.

ClinVar aggregate classification (germline): Benign/Likely benign. Review status: criteria provided, multiple submitters, no conflicts (2 of 4 stars). 3 submissions from 3 submitters: Benign (1); Likely benign (2). Last evaluated 2025-03-26.

Conditions:
Hereditary cancer-predisposing syndrome. Also called: Hereditary neoplastic syndrome; Neoplastic Syndromes, Hereditary; Tumor predisposition; Hereditary Cancer Syndrome. Identifiers: Orphanet 140162, MedGen C0027672, MeSH D009386, MONDO:0015356.
Familial cancer of breast. Also called: Hereditary breast cancer; hereditary breast carcinoma; BREAST CANCER, FAMILIAL. Identifiers: Orphanet 227535, MedGen C0346153, MONDO:0016419, OMIM 114480. Disease mechanism: loss of function.
Ataxia-telangiectasia syndrome (AT). Also called: Ataxia telangiectasia (A-T); LOUIS-BAR SYNDROME; Cerebello-oculocutaneous telangiectasia; Immunodeficiency with ataxia telangiectasia; Ataxia-telangiectasia, complementation group D; AT, COMPLEMENTATION GROUP C. Identifiers: Orphanet 100, MedGen C0004135, MONDO:0008840, OMIM 208900.

Submissions (3):

Labcorp Genetics (formerly Invitae), Labcorp
Classification: Likely benign for Ataxia-telangiectasia syndrome. Last evaluated: 2025-03-26. Review status: criteria provided, single submitter. Criteria: Invitae Variant Classification Sherloc (09022015). Collection method: clinical testing. Allele origin: germline.

Myriad Genetics, Inc.
Classification: Benign for Familial cancer of breast. Last evaluated: 2024-06-12. Review status: criteria provided, single submitter. Criteria: Myriad Autosomal Dominant, Autosomal Recessive and X-Linked Classification Criteria (2023). Collection method: clinical testing. Allele origin: unknown.
Comment: This variant is considered benign. This variant is a silent/synonymous amino acid change and it is not expected to impact splicing.

Ambry Genetics
Classification: Likely benign for Hereditary cancer-predisposing syndrome. Last evaluated: 2019-11-18. Review status: criteria provided, single submitter. Criteria: Ambry Variant Classification Scheme 2023. Collection method: clinical testing. Allele origin: germline.